The following is an entry in ClinVar:

NM_144997.7(FLCN):c.1177-13C>T

Gene: FLCN (folliculin; minus strand). Cytogenetic location: 17p11.2.
Variant type: single nucleotide variant.
Coding change: c.1177-13C>T on transcript NM_144997.7 (MANE Select); 13 bases into the intron before coding-DNA position 1177, C replaced by T.
Molecular consequence: intron variant.
Genome position (GRCh38, 1-based): chr17:17,216,516, G>A on the plus strand (C>T on the coding strand, the complement: FLCN is on the minus strand). VCF-style: chr17-17216516-G-A. GRCh37 (hg19) VCF-style: chr17-17119830-G-A.
Other names: c.1177-13C>T (NM_001353231.2, NM_001353230.2); c.1231-13C>T (NM_001353229.2).
Identifiers: ClinVar variation 3691034 (VCV003691034.3).

ClinVar aggregate classification (germline): Likely benign. Review status: criteria provided, multiple submitters, no conflicts (2 of 4 stars). 2 submissions from 2 submitters: Likely benign (2). Last evaluated 2025-08-18.

Conditions:
Birt-Hogg-Dube syndrome. Also called: Birt Hogg Dubé syndrome. Identifiers: Orphanet 122, MedGen C0346010, MONDO:0800444.
Birt-Hogg-Dube syndrome 1 (BHD1). Also called: FIBROFOLLICULOMAS WITH TRICHODISCOMAS AND ACROCHORDONS. Identifiers: Orphanet 122, MedGen CN375946, MONDO:0800445, OMIM 135150.

gnomAD v4.1: 4 of 1,613,568 alleles (0.00025%); highest among the groups gnomAD compares: African/African-American, 0.0013%; no homozygotes.

Submissions (2):

Labcorp Genetics (formerly Invitae), Labcorp
Classification: Likely benign for Birt-Hogg-Dube syndrome. Last evaluated: 2025-08-18. Review status: criteria provided, single submitter. Criteria: Invitae Variant Classification Sherloc (09022015). Collection method: clinical testing. Allele origin: germline.

Myriad Genetics, Inc.
Classification: Likely benign for Birt-Hogg-Dube syndrome 1. Last evaluated: 2024-10-24. Review status: criteria provided, single submitter. Criteria: Myriad Autosomal Dominant, Autosomal Recessive and X-Linked Classification Criteria (2023). Collection method: clinical testing. Allele origin: unknown.
Comment: This variant is considered likely benign. This variant is intronic and is not expected to impact mRNA splicing.